The following is an entry in ClinVar:

ClinVar aggregate classification (germline): Likely benign. Review status: criteria provided, single submitter (1 of 4 stars). 2 submissions from 2 submitters: Likely benign (1). 1 of the submissions does not count toward it. Last evaluated 2025-04-01.

Conditions:
PTF1A-related disorder. Also called: PTF1A-related condition.

Allele frequency attached by ClinVar (database versions not stated): gnomAD 0.00008; TOPMed 0.00004.

Submissions (2):

Labcorp Genetics (formerly Invitae), Labcorp
Classification: Likely benign. Last evaluated: 2025-04-01. Review status: criteria provided, single submitter. Criteria: Invitae Variant Classification Sherloc (09022015). Collection method: clinical testing. Allele origin: germline.

PreventionGenetics, part of Exact Sciences
Classification: Likely benign for PTF1A-related condition. Last evaluated: 2021-06-18. Review status: no assertion criteria provided. Collection method: clinical testing. Allele origin: germline. Not counted in ClinVar's aggregate classification.
Comment: This variant is classified as likely benign based on ACMG/AMP sequence variant interpretation guidelines (Richards et al. 2015 PMID: 25741868, with internal and published modifications).

NM_178161.3(PTF1A):c.258G>T (p.Ser86=)

Gene: PTF1A (pancreas associated transcription factor 1a; plus strand). Cytogenetic location: 10p12.2.
Variant type: single nucleotide variant.
Coding change: c.258G>T on transcript NM_178161.3 (MANE Select); coding-DNA position 258, G replaced by T.
Protein change: p.Ser86=; no amino-acid change (serine 86 retained).
Molecular consequence: synonymous variant.
Genome position (GRCh38, 1-based): chr10:23,192,788, G>T. VCF-style: chr10-23192788-G-T. GRCh37 (hg19) VCF-style: chr10-23481717-G-T.
Other names: c.258G>T (NM_178161.2).
Identifiers: ClinVar variation 3017843 (VCV003017843.5), dbSNP rs1238706919, ClinGen allele CA468663700.